The following is an entry in ClinVar:

NM_014956.5(CEP164):c.999C>A (p.Asp333Glu)

Gene: CEP164 (centrosomal protein 164; plus strand). Cytogenetic location: 11q23.3.
Variant type: single nucleotide variant.
Coding change: c.999C>A on transcript NM_014956.5 (MANE Select); coding-DNA position 999, C replaced by A.
Protein change: p.Asp333Glu; replaces aspartic acid 333 with glutamic acid.
Molecular consequence: missense variant.
Genome position (GRCh38, 1-based): chr11:117,371,313, C>A. VCF-style: chr11-117371313-C-A. GRCh37 (hg19) VCF-style: chr11-117242029-C-A.
Other names: c.999C>A, p.Asp333Glu (NM_001271933.2, NM_001440949.1, NM_001440950.1 and 16 more transcripts); c.921C>A, p.Asp307Glu (NM_001440952.1, NM_001440954.1, NM_001440955.1 and 17 more transcripts); c.861C>A, p.Asp287Glu (NM_001440960.1); short protein forms D287E, D307E, D333E.
Identifiers: ClinVar variation 5000332 (VCV005000332.1).
Genomic context (GRCh38, chr11:117,371,313, plus strand): 5'-AGAGGAAAATGAGAAGAGTGAACCTAAGATTTGCAGGAATCTGGTGACCCCCAAGGCAGA[C>A]CCTACAGGCAGTGAGCCTGCCAAAGCCTCTGAAAAGGAAGCACCAGAGGACACAGTAGAT-3'
Protein context (NP_055771.4, residues 323-343): ICRNLVTPKA[Asp333Glu]PTGSEPAKAS

ClinVar aggregate classification (germline): Uncertain significance (1 of 4 stars; one submission).

Conditions:
CEP164-related disorder. Also called: CEP164-related condition.

gnomAD v4.1: 1 of 1,614,216 alleles (0.000062%); highest among the groups gnomAD compares: Admixed American, 0.0017%; no homozygotes.

Submission:

PreventionGenetics, part of Exact Sciences
Classification: Uncertain significance for CEP164-related condition. Last evaluated: 2025-05-07. Review status: criteria provided, single submitter. Criteria: ACMG Guidelines, 2015. Collection method: clinical testing. Allele origin: germline.
Comment: The CEP164 c.999C>A variant is predicted to result in the amino acid substitution p.Asp333Glu. To our knowledge, this variant has not been reported in the literature. This variant has been reported in one heterozygous individual within the ‘other’ subpopulation in gnomAD. At this time, the clinical significance of this variant is uncertain due to the absence of conclusive functional and genetic evidence.